The following is an entry in ClinVar:

NM_173500.4(TTBK2):c.1940T>A (p.Phe647Tyr)

Gene: TTBK2 (tau tubulin kinase 2; minus strand). Cytogenetic location: 15q15.2.
Variant type: single nucleotide variant.
Coding change: c.1940T>A on transcript NM_173500.4 (MANE Select); coding-DNA position 1940, T replaced by A.
Protein change: p.Phe647Tyr; replaces phenylalanine 647 with tyrosine.
Molecular consequence: missense variant.
Genome position (GRCh38, 1-based): chr15:42,775,193, A>T on the plus strand (T>A on the coding strand, the complement: TTBK2 is on the minus strand). VCF-style: chr15-42775193-A-T. GRCh37 (hg19) VCF-style: chr15-43067391-A-T.
Other names: short protein forms F647Y.
Identifiers: ClinVar variation 4682381 (VCV004682381.1).

ClinVar aggregate classification (germline): Uncertain significance (1 of 4 stars; one submission).

gnomAD v4.1: 5 of 1,614,236 alleles (0.00031%); highest among the groups gnomAD compares: South Asian, 0.0011%; no homozygotes.

Submission:

Athena Diagnostics
Classification: Uncertain significance. Last evaluated: 2025-08-13. Review status: criteria provided, single submitter. Criteria: Athena Diagnostics Criteria. Collection method: clinical testing. Allele origin: unknown.
Comment: Available data are insufficient to determine the clinical significance of the variant at this time. This variant has not been reported in large, multi-ethnic general populations. Polyphen and MutationTaster predict this amino acid change may be benign.